The following is an entry in ClinVar:

NM_017951.5(SMPD4):c.-67_-66del

Gene: SMPD4 (sphingomyelin phosphodiesterase 4; minus strand). Cytogenetic location: 2q21.1.
Variant type: Deletion.
Coding change: c.-67_-66del on transcript NM_017951.5 (MANE Select); 67 bases upstream of the start codon through 66 bases upstream of the start codon, 2 bases deleted (AG; older notation c.-67_-66delAG).
Molecular consequence: 5 prime UTR variant. On other transcripts: frameshift variant (2), non-coding transcript variant (2).
Genome position (GRCh38, 1-based): chr2:130,181,550-130,181,551, CT deleted on the plus strand (AG on the coding strand, the reverse complement: SMPD4 is on the minus strand); deleting any 2 consecutive bases within chr2:130,181,550-130,181,552 gives the same sequence; the c. name uses the placement nearest the transcript's 3' end. VCF-style (leftmost placement, unchanged base first): chr2-130181549-GCT-G. GRCh37 (hg19) VCF-style: chr2-130939122-GCT-G.
Other names: c.51_52del, p.Ala18fs (NM_001171083.2, NM_017751.4); short protein forms A18fs.
Identifiers: ClinVar variation 2271385 (VCV002271385.2), dbSNP rs1573751635, ClinGen allele CA916649603.

ClinVar aggregate classification (germline): Pathogenic (1 of 4 stars; one submission).

Conditions:
Inborn genetic diseases. Identifiers: MedGen C0950123, MeSH D030342.

Submission:

Ambry Genetics
Classification: Pathogenic for Inborn genetic diseases. Last evaluated: 2022-01-31. Review status: criteria provided, single submitter. Criteria: Ambry Variant Classification Scheme 2023. Collection method: clinical testing. Allele origin: germline.
Comment: The c.51_52delAG (p.A18Dfs*10) alteration, located in exon 1 (coding exon 1) of the SMPD4 gene, consists of a deletion of 2 nucleotides from position 51 to 52, causing a translational frameshift with a predicted alternate stop codon after 10 amino acids. This alteration is expected to result in loss of function by premature protein truncation or nonsense-mediated mRNA decay. This variant was not reported in population-based cohorts in the Genome Aggregation Database (gnomAD). Based on the available evidence, this alteration is classified as pathogenic.